The following is an entry in ClinVar:

NM_080680.3(COL11A2):c.3258+3G>A

Gene: COL11A2 (collagen type XI alpha 2 chain; minus strand). Cytogenetic location: 6p21.32.
Variant type: single nucleotide variant.
Coding change: c.3258+3G>A on transcript NM_080680.3 (MANE Select); 3 bases into the intron after coding-DNA position 3258, G replaced by A.
Molecular consequence: intron variant.
Genome position (GRCh38, 1-based): chr6:33,171,464, C>T on the plus strand (G>A on the coding strand, the complement: COL11A2 is on the minus strand). VCF-style: chr6-33171464-C-T. GRCh37 (hg19) VCF-style: chr6-33139241-C-T.
Other names: c.2937+3G>A (NM_080679.3); c.3000+3G>A (NM_080681.3).
Identifiers: ClinVar variation 2416599 (VCV002416599.8), dbSNP rs1242842774, ClinGen allele CA566698801.

ClinVar aggregate classification (germline): Conflicting classifications of pathogenicity. Review status: criteria provided, conflicting classifications (1 of 4 stars). 2 submissions from 2 submitters: Uncertain significance (1); Likely benign (1). Last evaluated 2024-03-12.

Submissions (2):

Labcorp Genetics (formerly Invitae), Labcorp
Classification: Uncertain significance. Last evaluated: 2024-03-12. Review status: criteria provided, single submitter. Criteria: Invitae Variant Classification Sherloc (09022015). Collection method: clinical testing. Allele origin: germline.
Comment: This sequence change falls in intron 43 of the COL11A2 gene. It does not directly change the encoded amino acid sequence of the COL11A2 protein. It affects a nucleotide within the consensus splice site. This variant is present in population databases (no rsID available, gnomAD no frequency). This variant has not been reported in the literature in individuals affected with COL11A2-related conditions. ClinVar contains an entry for this variant (Variation ID: 2416599). Variants that disrupt the consensus splice site are a relatively common cause of aberrant splicing (PMID: 17576681, 9536098). Algorithms developed to predict the effect of sequence changes on RNA splicing suggest that this variant is not likely to affect RNA splicing. In summary, the available evidence is currently insufficient to determine the role of this variant in disease. Therefore, it has been classified as a Variant of Uncertain Significance.

Blueprint Genetics
Classification: Likely benign. Last evaluated: 2019-10-07. Review status: criteria provided, single submitter. Criteria: ACMG Guidelines, 2015. Collection method: clinical testing. Allele origin: germline.

Literature cited by the submitters: PubMed 17576681 (cited by Labcorp Genetics (formerly Invitae), Labcorp); PubMed 9536098 (cited by Labcorp Genetics (formerly Invitae), Labcorp).